The following is an entry in ClinVar:

ClinVar aggregate classification (germline): Conflicting classifications of pathogenicity. Review status: criteria provided, conflicting classifications (1 of 4 stars). 2 submissions from 2 submitters: Likely pathogenic (1); Uncertain significance (1). Last evaluated 2025-04-10.

Conditions:
Renal cyst. Also called: Renal cysts; cystic kidneys; Cystic kidney disease. Identifiers: MedGen C3887499, MONDO:0002473, HP:0000107.
Retinitis pigmentosa 80 (RP80). Identifiers: MedGen C4540439, MONDO:0054708, OMIM 617781.
Saldino-Mainzer syndrome (SRTD9). Also called: CONORENAL SYNDROME; Renal dysplasia, retinal pigmentary dystrophy, cerebellar ataxia and skeletal dysplasia; short-rib thoracic dysplasia 9 with or without polydactyly; SHORT-RIB THORACIC DYSPLASIA 9 WITHOUT POLYDACTYLY. Identifiers: Orphanet 140969, MedGen C1849437, MONDO:0009964, OMIM 266920.

gnomAD v4.1: 1 of 1,609,660 alleles (0.000062%); highest among the groups gnomAD compares: Non-Finnish European, 0.000085%; no homozygotes.

Submissions (2):

Victorian Clinical Genetics Services, Murdoch Childrens Research Institute
Classification: Uncertain significance for Renal cyst. Last evaluated: 2025-04-10. Review status: criteria provided, single submitter. Criteria: ACMG Guidelines, 2015. Collection method: clinical testing. Allele origin: germline. Affected: yes.
Comment: This variant is classified as VUS-3A. Evidence in support of pathogenic classification: Canonical splice site variant without proven consequence on splicing (no functional evidence available); Variant is present in gnomAD <0.01 (v4: 1 heterozygote(s), 0 homozygote(s)); This variant has limited previous evidence of pathogenicity in an unrelated individual(s). This variant has been reported in one individual with polycystic kidney disease and classified as likely pathogenic by the same clinical laboratory in ClinVar (PMID: 39136524). - Abnormal splicing is predicted by in silico tools and affected nucleotide is highly conserved. Additional information: This variant is heterozygous; This gene is associated with both recessive and dominant disease. Retinitis pigmentosa 80 (MIM#617781) and short-rib thoracic dysplasia 9 with or without polydactyly (MIM#266920) are inherited in an autosomal recessive manner, while cystic kidney disease (MONDO:0002473), IFT140-related is inherited in an autosomal dominant manner (OMIM, PMID: 34890546); No published segregation evidence has been identified for this variant; No published functional evidence has been identified for this variant; No comparable splice site variants have previous evidence for pathogenicity; Loss of function is a known mechanism of disease in this gene and is associated with retinitis pigmentosa 80 (MIM#617781), short-rib thoracic dysplasia 9 with or without polydactyly (MIM#266920) and cystic kidney disease (MONDO:0002473), IFT140-related (PMID: 34890546); The dominant condition associated with this gene may have incomplete penetrance. Parents of children with short-rib thoracic dysplasia 9 with or without polydactyly, who carry a single pathogenic variant that has also previously been associated with the dominant cystic kidney disease phenotype, have been reported as unaffected (PMID: 34890546). However, these parents weren't specifically assessed for cystic kidney disease; Inheritance information for this variant is not currently available in this individual.

Fulgent Genetics
Classification: Likely pathogenic for Saldino-Mainzer syndrome; Retinitis pigmentosa 80. Last evaluated: 2024-05-24. Review status: criteria provided, single submitter. Criteria: ACMG Guidelines, 2015. Collection method: clinical testing. Allele origin: germline.

Literature cited by the submitters: PubMed 39136524 (cited by Victorian Clinical Genetics Services, Murdoch Childrens Research Institute); PubMed 34890546 (cited by Victorian Clinical Genetics Services, Murdoch Childrens Research Institute).

NM_014714.4(IFT140):c.2769-1G>T

Genes: IFT140 (intraflagellar transport 140; minus strand), LOC126862260 (CDK7 strongly-dependent group 2 enhancer GRCh37_chr16:1574508-1575707; plus strand). Cytogenetic location: 16p13.3.
Variant type: single nucleotide variant.
Coding change: c.2769-1G>T on transcript NM_014714.4 (MANE Select); the canonical splice acceptor site of the intron before coding-DNA position 2769, G replaced by T.
Molecular consequence: splice acceptor variant.
Genome position (GRCh38, 1-based): chr16:1,525,327, C>A on the plus strand (G>T on the coding strand, the complement: IFT140 is on the minus strand). VCF-style: chr16-1525327-C-A. GRCh37 (hg19) VCF-style: chr16-1575328-C-A.
Identifiers: ClinVar variation 3376778 (VCV003376778.4).